The following is an entry in ClinVar:

NM_004006.3(DMD):c.10660C>T (p.Arg3554Trp)

Gene: DMD (dystrophin; minus strand). Cytogenetic location: Xp21.2.
Variant type: single nucleotide variant.
Coding change: c.10660C>T on transcript NM_004006.3 (MANE Select); coding-DNA position 10660, C replaced by T.
Protein change: p.Arg3554Trp; replaces arginine 3554 with tryptophan.
Molecular consequence: missense variant.
Genome position (GRCh38, 1-based): chrX:31,147,412, G>A on the plus strand (C>T on the coding strand, the complement: DMD is on the minus strand). VCF-style: chrX-31147412-G-A. GRCh37 (hg19) VCF-style: chrX-31165529-G-A.
Other names: c.10636C>T, p.Arg3546Trp (NM_000109.4); c.10648C>T, p.Arg3550Trp (NM_004009.3); c.10291C>T, p.Arg3431Trp (NM_004010.3); c.6637C>T, p.Arg2213Trp (NM_004011.4); c.6628C>T, p.Arg2210Trp (NM_004012.4); c.3280C>T, p.Arg1094Trp (NM_004013.3, NM_004021.3); c.2473C>T, p.Arg825Trp (NM_004014.3); c.1456C>T, p.Arg486Trp (NM_004015.3, NM_004016.3); and 4 more; short protein forms R3554W, R1094W, R1081W, R3550W, R825W, R2210W, R3431W, R486W.
Identifiers: ClinVar variation 596553 (VCV000596553.16), dbSNP rs1427119360, ClinGen allele CA412649286.

ClinVar aggregate classification (germline): Conflicting classifications of pathogenicity. Review status: criteria provided, conflicting classifications (1 of 4 stars). 4 submissions from 4 submitters: Uncertain significance (3); Likely benign (1). Last evaluated 2025-06-26.

Conditions:
Cardiovascular phenotype. Identifiers: MedGen CN230736.
Duchenne muscular dystrophy (DMD). Also called: MUSCULAR DYSTROPHY, PSEUDOHYPERTROPHIC PROGRESSIVE, DUCHENNE TYPE; Duchenne Muscular Dystrophy (DMD). Identifiers: Orphanet 98896, MedGen C0013264, MONDO:0010679, OMIM 310200.

Allele frequency attached by ClinVar (database versions not stated): TOPMed below 0.00001; gnomAD exomes 0.00001; gnomAD 0.00002.
gnomAD v4.1: 17 of 1,205,235 alleles (0.0014%); highest among the groups gnomAD compares: African/African-American, 0.0018%; no homozygotes.

Submissions (4):

Ambry Genetics
Classification: Uncertain significance for Cardiovascular phenotype. Last evaluated: 2025-06-26. Review status: criteria provided, single submitter. Criteria: Ambry Variant Classification Scheme 2023. Collection method: clinical testing. Allele origin: germline.
Comment: The p.R3554W variant (also known as c.10660C>T), located in coding exon 75 of the DMD gene, results from a C to T substitution at nucleotide position 10660. The arginine at codon 3554 is replaced by tryptophan, an amino acid with dissimilar properties. Based on data from gnomAD, the T allele has an overall frequency of 0.0015% (3/204084) total alleles studied, with 1 hemizygote(s) observed. The highest observed frequency was 0.0053% (1/18739) of African alleles. This amino acid position is highly conserved in available vertebrate species. In addition, this alteration is predicted to be deleterious by in silico analysis. Based on the available evidence, the clinical significance of this variant remains unclear.

Labcorp Genetics (formerly Invitae), Labcorp
Classification: Likely benign for Duchenne muscular dystrophy. Last evaluated: 2024-11-11. Review status: criteria provided, single submitter. Criteria: Invitae Variant Classification Sherloc (09022015). Collection method: clinical testing. Allele origin: germline.

Revvity Omics, Revvity
Classification: Uncertain significance. Last evaluated: 2021-08-17. Review status: criteria provided, single submitter. Criteria: ACMG Guidelines, 2015. Collection method: clinical testing. Allele origin: germline.

Eurofins Ntd Llc (ga)
Classification: Uncertain significance. Last evaluated: 2018-03-23. Review status: criteria provided, single submitter. Criteria: EGL ClinVar v180209 classification definitions. Collection method: clinical testing. Allele origin: germline. Observed: 1 variant allele, 1 hemizygote.